The following is an entry in ClinVar:

ClinVar aggregate classification (germline): Pathogenic (1 of 4 stars; one submission).

Conditions:
Ehlers-Danlos syndrome, dermatosparaxis type. Also called: EDS VIIC; Dermatosparaxis; Ehlers-Danlos syndrome, type VII, autosomal recessive. Identifiers: Orphanet 1901, MedGen C2700425, MONDO:0009161, OMIM 225410.

Submission:

Myriad Genetics, Inc.
Classification: Pathogenic for Ehlers-Danlos syndrome, dermatosparaxis type. Last evaluated: 2024-05-14. Review status: criteria provided, single submitter. Criteria: Myriad Autosomal Dominant, Autosomal Recessive and X-Linked Classification Criteria (2023). Collection method: clinical testing. Allele origin: unknown.
Comment: NM_014244.4(ADAMTS2):c.232_233ins13(A78Vfs*2) is expected to be pathogenic in the context of Ehlers-Danlos syndrome, ADAMTS2-related. This variant is predicted to lead to an abnormal or absent protein product due to the creation of a premature termination codon in ADAMTS2, a gene where loss-of-function variants are known to be pathogenic. Please note: this variant was assessed in the context of healthy population screening.

NM_014244.5(ADAMTS2):c.232_233insTATAAGAGACAGT (p.Ala78delinsValTer)

Gene: ADAMTS2 (ADAM metallopeptidase with thrombospondin type 1 motif 2; minus strand). Cytogenetic location: 5q35.3.
Variant type: Insertion.
Coding change: c.232_233insTATAAGAGACAGT on transcript NM_014244.5 (MANE Select); coding-DNA positions 232 to 233, TATAAGAGACAGT inserted.
Protein change: p.Ala78delinsValTer.
Molecular consequence: nonsense.
Genome position: GRCh38 VCF-style: chr5-179344068-G-GACTGTCTCTTATA. GRCh37 (hg19) VCF-style: chr5-178771069-G-GACTGTCTCTTATA.
Other names: c.232_233insTATAAGAGACAGT, p.Ala78delinsValTer (NM_021599.4).
Identifiers: ClinVar variation 5011099 (VCV005011099.1).